The following is an entry in ClinVar:

ClinVar aggregate classification (germline): Uncertain significance (1 of 4 stars; one submission).

Allele frequency attached by ClinVar (database versions not stated): gnomAD exomes below 0.00001.
gnomAD v4.1: 2 of 1,606,724 alleles (0.00012%); highest among the groups gnomAD compares: Non-Finnish European, 0.00017%; no homozygotes.

Submission:

Labcorp Genetics (formerly Invitae), Labcorp
Classification: Uncertain significance. Last evaluated: 2022-05-29. Review status: criteria provided, single submitter. Criteria: Invitae Variant Classification Sherloc (09022015). Collection method: clinical testing. Allele origin: germline.
Comment: Algorithms developed to predict the effect of missense changes on protein structure and function are either unavailable or do not agree on the potential impact of this missense change (SIFT: "Deleterious"; PolyPhen-2: "Probably Damaging"; Align-GVGD: "Class C0"). This variant has not been reported in the literature in individuals affected with VPS13C-related conditions. This sequence change replaces proline, which is neutral and non-polar, with serine, which is neutral and polar, at codon 54 of the VPS13C protein (p.Pro54Ser). This variant is not present in population databases (gnomAD no frequency). In summary, the available evidence is currently insufficient to determine the role of this variant in disease. Therefore, it has been classified as a Variant of Uncertain Significance.

NM_020821.3(VPS13C):c.160C>T (p.Pro54Ser)

Gene: VPS13C (vacuolar protein sorting 13 homolog C; minus strand). Cytogenetic location: 15q22.2.
Variant type: single nucleotide variant.
Coding change: c.160C>T on transcript NM_020821.3 (MANE Select); coding-DNA position 160, C replaced by T.
Protein change: p.Pro54Ser; replaces proline 54 with serine.
Molecular consequence: missense variant.
Genome position (GRCh38, 1-based): chr15:62,041,351, G>A on the plus strand (C>T on the coding strand, the complement: VPS13C is on the minus strand). VCF-style: chr15-62041351-G-A. GRCh37 (hg19) VCF-style: chr15-62333550-G-A.
Other names: c.160C>T, p.Pro54Ser (NM_001018088.3, NM_017684.5, NM_018080.4); short protein forms P54S.
Identifiers: ClinVar variation 2000330 (VCV002000330.4), dbSNP rs1313899885, ClinGen allele CA392675872.